The following is an entry in ClinVar:

NM_006907.4(PYCR1):c.101C>A (p.Ser34Tyr)

Gene: PYCR1 (pyrroline-5-carboxylate reductase 1; minus strand). Cytogenetic location: 17q25.3.
Variant type: single nucleotide variant.
Coding change: c.101C>A on transcript NM_006907.4 (MANE Select); coding-DNA position 101, C replaced by A.
Protein change: p.Ser34Tyr; replaces serine 34 with tyrosine.
Molecular consequence: missense variant.
Genome position (GRCh38, 1-based): chr17:81,936,160, G>T on the plus strand (C>A on the coding strand, the complement: PYCR1 is on the minus strand). VCF-style: chr17-81936160-G-T. GRCh37 (hg19) VCF-style: chr17-79894036-G-T.
Other names: c.101C>A, p.Ser34Tyr (NM_001282279.2, NM_001282280.2, NM_001330523.2 and 1 more transcripts); c.182C>A, p.Ser61Tyr (NM_001282281.2); short protein forms S34Y, S61Y.
Identifiers: ClinVar variation 2083968 (VCV002083968.4), dbSNP rs2510122703, ClinGen allele CA401540396.

ClinVar aggregate classification (germline): Uncertain significance (1 of 4 stars; one submission).

Submission:

Labcorp Genetics (formerly Invitae), Labcorp
Classification: Uncertain significance. Last evaluated: 2022-01-15. Review status: criteria provided, single submitter. Criteria: Invitae Variant Classification Sherloc (09022015). Collection method: clinical testing. Allele origin: germline.
Comment: This variant is not present in population databases (gnomAD no frequency). In summary, the available evidence is currently insufficient to determine the role of this variant in disease. Therefore, it has been classified as a Variant of Uncertain Significance. Algorithms developed to predict the effect of missense changes on protein structure and function are either unavailable or do not agree on the potential impact of this missense change (SIFT: "Tolerated"; PolyPhen-2: "Possibly Damaging"; Align-GVGD: "Class C0"). This variant has not been reported in the literature in individuals affected with PYCR1-related conditions. This sequence change replaces serine, which is neutral and polar, with tyrosine, which is neutral and polar, at codon 34 of the PYCR1 protein (p.Ser34Tyr).